The following is an entry in ClinVar:

ClinVar aggregate classification (germline): Uncertain significance. Review status: criteria provided, multiple submitters, no conflicts (2 of 4 stars). 6 submissions from 6 submitters: Uncertain significance (6). Last evaluated 2026-04-28.

Conditions:
Classic or attenuated familial adenomatous polyposis. Identifiers: MedGen CN372698, MONDO:0021057.
Hereditary cancer-predisposing syndrome. Also called: Neoplastic Syndromes, Hereditary; Hereditary Cancer Syndrome; Tumor predisposition; Hereditary neoplastic syndrome. Identifiers: Orphanet 140162, MedGen C0027672, MeSH D009386, MONDO:0015356.
Familial adenomatous polyposis 1 (FAP1). Also called: FAMILIAL ADENOMATOUS POLYPOSIS 1, ATTENUATED; POLYPOSIS, ADENOMATOUS INTESTINAL. Identifiers: MedGen C2713442, MONDO:0021056, OMIM 175100. Disease mechanism: loss of function.

Allele frequency attached by ClinVar (database versions not stated): ExAC 0.00002; gnomAD exomes 0.00001 and 0.00002.
gnomAD v4.1: 18 of 1,613,090 alleles (0.0011%); highest among the groups gnomAD compares: South Asian, 0.0066%; no homozygotes.

Submissions (6):

Ambry Genetics
Classification: Uncertain significance for Hereditary cancer-predisposing syndrome. Last evaluated: 2026-04-28. Review status: criteria provided, single submitter. Criteria: Ambry Variant Classification Scheme 2023. Collection method: clinical testing. Allele origin: germline.
Comment: The p.A199V variant (also known as c.596C>T), located in coding exon 5 of the APC gene, results from a C to T substitution at nucleotide position 596. The alanine at codon 199 is replaced by valine, an amino acid with similar properties. This amino acid position is highly conserved in available vertebrate species. In addition, in silico predictors for this gene do not accurately predict pathogenicity. Missense variants in APC are not a common cause of disease (Spier I et al. Genet Med. 2024 Feb;26(2):100992). Based on the available evidence, the clinical significance of this variant remains unclear.

Labcorp Genetics (formerly Invitae), Labcorp
Classification: Uncertain significance for Familial adenomatous polyposis 1. Last evaluated: 2025-12-31. Review status: criteria provided, single submitter. Criteria: Invitae Variant Classification Sherloc (09022015). Collection method: clinical testing. Allele origin: germline.
Comment: This sequence change replaces alanine, which is neutral and non-polar, with valine, which is neutral and non-polar, at codon 199 of the APC protein (p.Ala199Val). This variant is present in population databases (rs748193367, gnomAD 0.01%). This variant has not been reported in the literature in individuals affected with APC-related conditions. ClinVar contains an entry for this variant (Variation ID: 246301). Invitae Evidence Modeling of protein sequence and biophysical properties (such as structural, functional, and spatial information, amino acid conservation, physicochemical variation, residue mobility, and thermodynamic stability) indicates that this missense variant is not expected to disrupt APC protein function with a negative predictive value of 95%. In summary, the available evidence is currently insufficient to determine the role of this variant in disease. Therefore, it has been classified as a Variant of Uncertain Significance.

All of Us Research Program, National Institutes of Health
Classification: Uncertain significance for Classic or attenuated familial adenomatous polyposis. Last evaluated: 2023-12-13. Review status: criteria provided, single submitter. Criteria: ACMG Guidelines, 2015. Collection method: clinical testing. Allele origin: germline. Inheritance: Autosomal dominant inheritance. Observed: 3 variant alleles, 3 heterozygotes.
Comment: This missense variant replaces alanine with valine at codon 199 of the APC protein. Computational prediction suggests that this variant may not impact protein structure and function (internally defined REVEL score threshold <= 0.5, PMID: 27666373). To our knowledge, functional studies have not been reported for this variant. This variant has not been reported in individuals affected with APC-related disorders in the literature. This variant has been identified in 5/250636 chromosomes in the general population by the Genome Aggregation Database (gnomAD). The available evidence is insufficient to determine the role of this variant in disease conclusively. Therefore, this variant is classified as a Variant of Uncertain Significance.

This study involves interpretation of variants in research participants for the purpose of population health screening. Participant phenotype was not available at the time of variant classification. Additional details can be found in publication PMID: 35346344, PMCID: PMC8962531

Baylor Genetics
Classification: Uncertain significance for Familial adenomatous polyposis 1. Last evaluated: 2023-11-07. Review status: criteria provided, single submitter. Criteria: ACMG Guidelines, 2015. Collection method: clinical testing. Allele origin: unknown.

Color Diagnostics, LLC DBA Color Health
Classification: Uncertain significance for Hereditary cancer-predisposing syndrome. Last evaluated: 2023-09-28. Review status: criteria provided, single submitter. Criteria: ACMG Guidelines, 2015. Collection method: clinical testing. Allele origin: germline.
Comment: This missense variant replaces alanine with valine at codon 199 of the APC protein. Computational prediction suggests that this variant may not impact protein structure and function (internally defined REVEL score threshold <= 0.5, PMID: 27666373). To our knowledge, functional studies have not been reported for this variant. This variant has not been reported in individuals affected with APC-related disorders in the literature. This variant has been identified in 5/250636 chromosomes in the general population by the Genome Aggregation Database (gnomAD). The available evidence is insufficient to determine the role of this variant in disease conclusively. Therefore, this variant is classified as a Variant of Uncertain Significance.

GeneDx
Classification: Uncertain significance. Last evaluated: 2016-01-05. Review status: criteria provided, single submitter. Criteria: GeneDx Variant Classification (06012015). Collection method: clinical testing. Allele origin: germline. Affected: yes.
Comment: This variant is denoted APC c.596C>T at the cDNA level, p.Ala199Val (A199V) at the protein level, and results in the change of an Alanine to a Valine (GCG>GTG). This variant has not, to our knowledge, been published in the literature as pathogenic or benign. APC Ala199Val was not observed in approximately 6,500 individuals of European and African American ancestry in the NHLBI Exome Sequencing Project, suggesting it is not a common benign variant in these populations. Since Alanine and Valine share similar properties, this is considered a conservative amino acid substitution. APC Ala199Val occurs at a position that is conserved across species and is located in a coiled-coil motif within a Leucine-rich region (UniProt). In silico analyses are inconsistent regarding the effect this variant may have on protein structure and function. Based on currently available evidence, it is unclear whether APC Ala199Val is pathogenic or benign. We consider it to be a variant of uncertain significance.

NM_000038.6(APC):c.596C>T (p.Ala199Val)

Gene: APC (APC regulator of Wnt signaling pathway; plus strand). Cytogenetic location: 5q22.2.
Variant type: single nucleotide variant.
Coding change: c.596C>T on transcript NM_000038.6 (MANE Select); coding-DNA position 596, C replaced by T.
Protein change: p.Ala199Val; replaces alanine 199 with valine.
Molecular consequence: missense variant. On other transcripts: 5 prime UTR variant (1).
Genome position (GRCh38, 1-based): chr5:112,780,854, C>T. VCF-style: chr5-112780854-C-T. GRCh37 (hg19) VCF-style: chr5-112116551-C-T.
Other names: c.596C>T, p.Ala199Val (NM_001127510.3, NM_001354895.2, NM_001354896.2 and 2 more transcripts); c.626C>T, p.Ala209Val (NM_001127511.3, NM_001354897.2, NM_001354902.2); c.521C>T, p.Ala174Val (NM_001354898.2, NM_001354904.2); c.419C>T, p.Ala140Val (NM_001354900.2, NM_001354901.2, NM_001354905.2); c.-440C>T (NM_001354906.2); short protein forms A199V, A209V, A174V, A140V.
Identifiers: ClinVar variation 246301 (VCV000246301.23), dbSNP rs748193367, ClinGen allele CA043529.